The following is an entry in ClinVar:

ClinVar aggregate classification (germline): Uncertain significance (1 of 4 stars; one submission).

Submission:

Labcorp Genetics (formerly Invitae), Labcorp
Classification: Uncertain significance. Last evaluated: 2023-07-25. Review status: criteria provided, single submitter. Criteria: Invitae Variant Classification Sherloc (09022015). Collection method: clinical testing. Allele origin: germline.
Comment: In summary, the available evidence is currently insufficient to determine the role of this variant in disease. Therefore, it has been classified as a Variant of Uncertain Significance. Advanced modeling of protein sequence and biophysical properties (such as structural, functional, and spatial information, amino acid conservation, physicochemical variation, residue mobility, and thermodynamic stability) performed at Invitae indicates that this missense variant is not expected to disrupt POLE protein function. This variant has not been reported in the literature in individuals affected with POLE-related conditions. This variant is not present in population databases (gnomAD no frequency). This sequence change replaces serine, which is neutral and polar, with glycine, which is neutral and non-polar, at codon 605 of the POLE protein (p.Ser605Gly).

NM_006231.4(POLE):c.1813A>G (p.Ser605Gly)

Gene: POLE (DNA polymerase epsilon, catalytic subunit; minus strand). Cytogenetic location: 12q24.33.
Variant type: single nucleotide variant.
Coding change: c.1813A>G on transcript NM_006231.4 (MANE Select); coding-DNA position 1813, A replaced by G.
Protein change: p.Ser605Gly; replaces serine 605 with glycine.
Molecular consequence: missense variant.
Genome position (GRCh38, 1-based): chr12:132,668,921, T>C on the plus strand (A>G on the coding strand, the complement: POLE is on the minus strand). VCF-style: chr12-132668921-T-C. GRCh37 (hg19) VCF-style: chr12-133245507-T-C.
Other names: short protein forms S605G.
Identifiers: ClinVar variation 2844684 (VCV002844684.3), dbSNP rs2542105331, ClinGen allele CA387355607.